The following is an entry in ClinVar:

NM_138295.5(PKD1L1):c.2946T>C (p.Asp982=)

Gene: PKD1L1 (polycystin 1 like 1, transient receptor potential channel interacting; minus strand). Cytogenetic location: 7p12.3.
Variant type: single nucleotide variant.
Coding change: c.2946T>C on transcript NM_138295.5 (MANE Select); coding-DNA position 2946, T replaced by C.
Protein change: p.Asp982=; no amino-acid change (aspartic acid 982 retained).
Molecular consequence: synonymous variant.
Genome position (GRCh38, 1-based): chr7:47,885,945, A>G on the plus strand (T>C on the coding strand, the complement: PKD1L1 is on the minus strand). VCF-style: chr7-47885945-A-G. GRCh37 (hg19) VCF-style: chr7-47925543-A-G.
Identifiers: ClinVar variation 4987652 (VCV004987652.1).

ClinVar aggregate classification (germline): Likely benign (1 of 4 stars; one submission).

Conditions:
PKD1L1-related disorder. Also called: PKD1L1-related condition.

gnomAD v4.1: 9 of 1,614,178 alleles (0.00056%); highest among the groups gnomAD compares: Non-Finnish European, 0.00068%; no homozygotes.

Submission:

PreventionGenetics, part of Exact Sciences
Classification: Likely benign for PKD1L1-related condition. Last evaluated: 2025-06-18. Review status: criteria provided, single submitter. Criteria: ACMG Guidelines, 2015. Collection method: clinical testing. Allele origin: germline.
Comment: This variant is classified as likely benign based on ACMG/AMP sequence variant interpretation guidelines (Richards et al. 2015 PMID: 25741868, with internal and published modifications).